The following is an entry in ClinVar:

ClinVar aggregate classification (germline): Pathogenic. Review status: criteria provided, multiple submitters, no conflicts (2 of 4 stars). 2 submissions from 2 submitters: Pathogenic (2). Last evaluated 2024-04-11.

Conditions:
Juvenile polyposis syndrome (JPS). Identifiers: Orphanet 2929, MedGen C0345893, MONDO:0017380, OMIM 174900.
Hereditary cancer-predisposing syndrome. Also called: Neoplastic Syndromes, Hereditary; Hereditary Cancer Syndrome; Hereditary neoplastic syndrome; Tumor predisposition. Identifiers: Orphanet 140162, MedGen C0027672, MeSH D009386, MONDO:0015356.

Submissions (2):

Ambry Genetics
Classification: Pathogenic for Hereditary cancer-predisposing syndrome. Last evaluated: 2024-04-11. Review status: criteria provided, single submitter. Criteria: Ambry Variant Classification Scheme 2023. Collection method: clinical testing. Allele origin: germline.
Comment: The c.826_827delGA pathogenic mutation, located in coding exon 7 of the BMPR1A gene, results from a deletion of two nucleotides at nucleotide positions 826 to 827, causing a translational frameshift with a predicted alternate stop codon (p.E276Nfs*10). This alteration has been identified in one family with juvenile polyposis syndrome and colon cancer (Zhou XP et al. Am. J. Hum. Genet. 2001; 69:704-11). This alteration is expected to result in loss of function by premature protein truncation or nonsense-mediated mRNA decay. As such, this alteration is interpreted as a disease-causing mutation.

Labcorp Genetics (formerly Invitae), Labcorp
Classification: Pathogenic for Juvenile polyposis syndrome. Last evaluated: 2020-06-30. Review status: criteria provided, single submitter. Criteria: Invitae Variant Classification Sherloc (09022015). Collection method: clinical testing. Allele origin: germline.
Comment: For these reasons, this variant has been classified as Pathogenic. Loss-of-function variants in BMPR1A are known to be pathogenic (PMID: 11536076, 12417513). This variant has been reported in an individual with colon cancer and a family history of juvenile polyps (PMID: 11536076). ClinVar contains an entry for this variant (Variation ID: 141674). This variant is not present in population databases (ExAC no frequency). This sequence change creates a premature translational stop signal (p.Glu276Asnfs*10) in the BMPR1A gene. It is expected to result in an absent or disrupted protein product.

Literature cited by the submitters: PubMed 11536076 (cited by Ambry Genetics and Labcorp Genetics (formerly Invitae), Labcorp); PubMed 12417513 (cited by Labcorp Genetics (formerly Invitae), Labcorp).

NM_004329.3(BMPR1A):c.826_827del (p.Glu276fs)

Gene: BMPR1A (bone morphogenetic protein receptor type 1A; plus strand). Cytogenetic location: 10q23.2.
Variant type: Deletion.
Coding change: c.826_827del on transcript NM_004329.3 (MANE Select); coding-DNA positions 826 to 827, 2 bases deleted (GA; older notation c.826_827delGA).
Protein change: p.Glu276fs; shifts the reading frame from glutamic acid 276.
Molecular consequence: frameshift variant.
Genome position (GRCh38, 1-based): chr10:86,917,284-86,917,285, GA deleted; deleting any 2 consecutive bases within chr10:86,917,283-86,917,285 gives the same sequence; the c. name uses the placement nearest the transcript's 3' end. VCF-style (leftmost placement, unchanged base first): chr10-86917282-CAG-C. GRCh37 (hg19) VCF-style: chr10-88677039-CAG-C.
Other names: c.826_827delGA (NM_004329.2); short protein forms E276fs.
Identifiers: ClinVar variation 141674 (VCV000141674.14), dbSNP rs587781928, ClinGen allele CA166103.